The following is an entry in ClinVar:

ClinVar aggregate classification (germline): Uncertain significance (1 of 4 stars; one submission).

Conditions:
Ataxia-telangiectasia syndrome (AT). Also called: Ataxia-telangiectasia, complementation group D; AT, COMPLEMENTATION GROUP C; ATAXIA-TELANGIECTASIA, COMPLEMENTATION GROUP A; ATAXIA-TELANGIECTASIA, FRESNO VARIANT; Ataxia-telangiectasia; Ataxia-telangiectasia, complementation group E. Identifiers: Orphanet 100, MedGen C0004135, MONDO:0008840, OMIM 208900.

Submission:

Labcorp Genetics (formerly Invitae), Labcorp
Classification: Uncertain significance for Ataxia-telangiectasia syndrome. Last evaluated: 2025-08-05. Review status: criteria provided, single submitter. Criteria: Invitae Variant Classification Sherloc (09022015). Collection method: clinical testing. Allele origin: germline.
Comment: This sequence change replaces alanine, which is neutral and non-polar, with glycine, which is neutral and non-polar, at codon 2391 of the ATM protein (p.Ala2391Gly). This variant is not present in population databases (gnomAD no frequency). This variant has not been reported in the literature in individuals affected with ATM-related conditions. Invitae Evidence Modeling of protein sequence and biophysical properties (such as structural, functional, and spatial information, amino acid conservation, physicochemical variation, residue mobility, and thermodynamic stability) indicates that this missense variant is not expected to disrupt ATM protein function with a negative predictive value of 95%. In summary, the available evidence is currently insufficient to determine the role of this variant in disease. Therefore, it has been classified as a Variant of Uncertain Significance.

NM_000051.4(ATM):c.7172C>G (p.Ala2391Gly)

Genes: ATM (ATM serine/threonine kinase; plus strand), C11orf65 (chromosome 11 open reading frame 65; minus strand). Cytogenetic location: 11q22.3.
Variant type: single nucleotide variant.
Coding change: c.7172C>G on transcript NM_000051.4 (MANE Select); coding-DNA position 7172, C replaced by G.
Protein change: p.Ala2391Gly; replaces alanine 2391 with glycine.
Molecular consequence: missense variant. On other transcripts: intron variant (2).
Genome position (GRCh38, 1-based): chr11:108,329,103, C>G. VCF-style: chr11-108329103-C-G. GRCh37 (hg19) VCF-style: chr11-108199830-C-G.
Other names: c.7172C>G, p.Ala2391Gly (NM_001351834.2); c.641-20032G>C (NM_001330368.2); c.*38+6117G>C (NM_001351110.2); short protein forms A2391G.
Identifiers: ClinVar variation 4705850 (VCV004705850.1).